The following is an entry in ClinVar:

ClinVar aggregate classification (germline): Uncertain significance. Review status: criteria provided, multiple submitters, no conflicts (2 of 4 stars). 2 submissions from 2 submitters: Uncertain significance (2). Last evaluated 2026-05-12.

Conditions:
DIABLO-related disorder. Also called: DIABLO-related condition.

Allele frequency attached by ClinVar (database versions not stated): ESP Exome Variant Server 0.00008; gnomAD exomes 0.00001; ExAC 0.00002; TOPMed 0.00005; gnomAD 0.00006.
gnomAD v4.1: 23 of 1,613,950 alleles (0.0014%); highest among the groups gnomAD compares: Middle Eastern, 0.016%; no homozygotes.

Submissions (2):

PreventionGenetics, part of Exact Sciences
Classification: Uncertain significance for DIABLO-related condition. Last evaluated: 2026-05-12. Review status: criteria provided, single submitter. Criteria: ACMG Guidelines, 2015. Collection method: clinical testing. Allele origin: germline.
Comment: The DIABLO c.604C>T variant is predicted to result in the amino acid substitution p.Arg202Trp. To our knowledge, this variant has not been reported in the literature. This variant is reported in 0.018% of alleles in individuals of African descent in gnomAD. At this time, the clinical significance of this variant is uncertain due to the absence of conclusive functional and genetic evidence.

Labcorp Genetics (formerly Invitae), Labcorp
Classification: Uncertain significance. Last evaluated: 2025-12-11. Review status: criteria provided, single submitter. Criteria: Invitae Variant Classification Sherloc (09022015). Collection method: clinical testing. Allele origin: germline.
Comment: This sequence change replaces arginine, which is basic and polar, with tryptophan, which is neutral and slightly polar, at codon 202 of the DIABLO protein (p.Arg202Trp). This variant is present in population databases (rs375537524, gnomAD 0.02%). This variant has not been reported in the literature in individuals affected with DIABLO-related conditions. ClinVar contains an entry for this variant (Variation ID: 2636845). An algorithm developed to predict the effect of missense changes on protein structure and function (PolyPhen-2) suggests that this variant is likely to be disruptive. In summary, the available evidence is currently insufficient to determine the role of this variant in disease. Therefore, it has been classified as a Variant of Uncertain Significance.

NM_001371333.1(DIABLO):c.604C>T (p.Arg202Trp)

Genes: B3GNT4 (UDP-GlcNAc:betaGal beta-1,3-N-acetylglucosaminyltransferase 4; plus strand), DIABLO (diablo IAP-binding mitochondrial protein; minus strand). Cytogenetic location: 12q24.31.
Variant type: single nucleotide variant.
Coding change: c.604C>T on transcript NM_001371333.1 (MANE Select); coding-DNA position 604, C replaced by T.
Protein change: p.Arg202Trp; replaces arginine 202 with tryptophan.
Molecular consequence: missense variant. On other transcripts: 3 prime UTR variant (2).
Genome position (GRCh38, 1-based): chr12:122,208,497, G>A on the plus strand (C>T on the coding strand, the complement: DIABLO is on the minus strand). VCF-style: chr12-122208497-G-A. GRCh37 (hg19) VCF-style: chr12-122693044-G-A.
Other names: c.313C>T, p.Arg105Trp (NM_001278302.1); c.385C>T, p.Arg129Trp (NM_001278303.1); c.445C>T, p.Arg149Trp (NM_001278304.2, NM_138930.3); c.472C>T, p.Arg158Trp (NM_001278342.1); c.604C>T, p.Arg202Trp (NM_019887.6); c.*1109G>A (NM_001330492.2, NM_030765.4); short protein forms R105W, R129W, R149W, R158W, R202W.
Identifiers: ClinVar variation 2636845 (VCV002636845.3), dbSNP rs375537524, ClinGen allele CA6843785.
Genomic context (GRCh38, chr12:122,208,497, plus strand): 5'-CCTGTGTTTTCTGACGGAGCTCTTCTATCTGTGCTTCTGCCAGCTTGGTTTCTGCTTTCC[G>A]GGAGAGCTGGTGCACCTCTTCCACCTGCAGTTTCACCAGCTGAATGTGATTCCTGGCGGT-3'
Protein context (NP_001358262.1, residues 192-212): LQVEEVHQLS[Arg202Trp]KAETKLAEAQ